The following is an entry in ClinVar:

ClinVar aggregate classification (germline): Uncertain significance (1 of 4 stars; one submission).

Conditions:
Baller-Gerold syndrome (BGS). Also called: CRANIOSYNOSTOSIS WITH RADIAL DEFECTS. Identifiers: Orphanet 1225, MedGen C0265308, MONDO:0009039, OMIM 218600.

Submission:

Labcorp Genetics (formerly Invitae), Labcorp
Classification: Uncertain significance for Baller-Gerold syndrome. Last evaluated: 2021-10-31. Review status: criteria provided, single submitter. Criteria: Invitae Variant Classification Sherloc (09022015). Collection method: clinical testing. Allele origin: germline.
Comment: This sequence change falls in intron 19 of the RECQL4 gene. It does not directly change the encoded amino acid sequence of the RECQL4 protein. In summary, the available evidence is currently insufficient to determine the role of this variant in disease. Therefore, it has been classified as a Variant of Uncertain Significance. Algorithms developed to predict the effect of sequence changes on RNA splicing suggest that this variant may disrupt the consensus splice site. This variant has not been reported in the literature in individuals affected with RECQL4-related conditions. This variant is not present in population databases (gnomAD no frequency).

NM_004260.4(RECQL4):c.3394-9del

Gene: RECQL4 (RecQ like helicase 4; minus strand). Cytogenetic location: 8q24.3.
Variant type: Deletion.
Coding change: c.3394-9del on transcript NM_004260.4 (MANE Select); 9 bases into the intron before coding-DNA position 3394, one base deleted (T; older notation c.3394-9delT).
Molecular consequence: intron variant.
Genome position (GRCh38, 1-based): chr8:144,511,798, A deleted on the plus strand (T on the coding strand, the reverse complement: RECQL4 is on the minus strand). VCF-style (leftmost placement, unchanged base first): chr8-144511797-GA-G. GRCh37 (hg19) VCF-style: chr8-145737180-GA-G.
Identifiers: ClinVar variation 1363041 (VCV001363041.6), dbSNP rs2130652385, ClinGen allele CA2573143045.
Genomic context (GRCh38, chr8:144,511,797, plus strand): 5'-AGGGACAGGAACTGGCGGATGTCGCAGCGGACCTGGTCCTCCCAATCCTGGAGCTGTGTG[GA>G]CAGGCACATCAGGCTTCCTCTGAGCTCCCGTGGCACTGCATCCACAGAGCAAGCCCCATG-3'